The following is an entry in ClinVar:

NM_000051.4(ATM):c.4919A>C (p.Gln1640Pro)

Gene: ATM (ATM serine/threonine kinase; plus strand). Cytogenetic location: 11q22.3.
Variant type: single nucleotide variant.
Coding change: c.4919A>C on transcript NM_000051.4 (MANE Select); coding-DNA position 4919, A replaced by C.
Protein change: p.Gln1640Pro; replaces glutamine 1640 with proline.
Molecular consequence: missense variant.
Genome position (GRCh38, 1-based): chr11:108,297,296, A>C. VCF-style: chr11-108297296-A-C. GRCh37 (hg19) VCF-style: chr11-108168023-A-C.
Other names: c.4919A>C, p.Gln1640Pro (NM_001351834.2); short protein forms Q1640P.
Identifiers: ClinVar variation 479021 (VCV000479021.19), dbSNP rs1555103190, ClinGen allele CA382538037.

ClinVar aggregate classification (germline): Uncertain significance. Review status: criteria provided, multiple submitters, no conflicts (2 of 4 stars). 3 submissions from 3 submitters: Uncertain significance (3). Last evaluated 2025-09-14.

Conditions:
Hereditary cancer-predisposing syndrome. Also called: Tumor predisposition; Neoplastic Syndromes, Hereditary; Hereditary Cancer Syndrome; Hereditary neoplastic syndrome. Identifiers: Orphanet 140162, MedGen C0027672, MeSH D009386, MONDO:0015356.
Ataxia-telangiectasia syndrome (AT). Also called: Cerebello-oculocutaneous telangiectasia; Immunodeficiency with ataxia telangiectasia; ATAXIA-TELANGIECTASIA, COMPLEMENTATION GROUP A; Ataxia-telangiectasia, complementation group D; AT, COMPLEMENTATION GROUP C; ATAXIA-TELANGIECTASIA, FRESNO VARIANT. Identifiers: Orphanet 100, MedGen C0004135, MONDO:0008840, OMIM 208900.

Allele frequency attached by ClinVar (database versions not stated): gnomAD exomes below 0.00001.
gnomAD v4.1: 1 of 1,613,694 alleles (0.000062%); highest among the groups gnomAD compares: Non-Finnish European, 0.000085%; no homozygotes.

Submissions (3):

Labcorp Genetics (formerly Invitae), Labcorp
Classification: Uncertain significance for Ataxia-telangiectasia syndrome. Last evaluated: 2025-09-14. Review status: criteria provided, single submitter. Criteria: Invitae Variant Classification Sherloc (09022015). Collection method: clinical testing. Allele origin: germline.
Comment: This sequence change replaces glutamine, which is neutral and polar, with proline, which is neutral and non-polar, at codon 1640 of the ATM protein (p.Gln1640Pro). This variant is not present in population databases (gnomAD no frequency). This variant has not been reported in the literature in individuals affected with ATM-related conditions. ClinVar contains an entry for this variant (Variation ID: 479021). Invitae Evidence Modeling of protein sequence and biophysical properties (such as structural, functional, and spatial information, amino acid conservation, physicochemical variation, residue mobility, and thermodynamic stability) indicates that this missense variant is not expected to disrupt ATM protein function with a negative predictive value of 95%. In summary, the available evidence is currently insufficient to determine the role of this variant in disease. Therefore, it has been classified as a Variant of Uncertain Significance.

Ambry Genetics
Classification: Uncertain significance for Hereditary cancer-predisposing syndrome. Last evaluated: 2025-06-14. Review status: criteria provided, single submitter. Criteria: Ambry Variant Classification Scheme 2023. Collection method: clinical testing. Allele origin: germline.
Comment: The p.Q1640P variant (also known as c.4919A>C), located in coding exon 32 of the ATM gene, results from an A to C substitution at nucleotide position 4919. The glutamine at codon 1640 is replaced by proline, an amino acid with similar properties. This amino acid position is not well conserved in available vertebrate species. In addition, this alteration is predicted to be tolerated by in silico analysis. Based on the available evidence, the clinical significance of this variant remains unclear.

Color Diagnostics, LLC DBA Color Health
Classification: Uncertain significance for Hereditary cancer-predisposing syndrome. Last evaluated: 2025-03-18. Review status: criteria provided, single submitter. Criteria: ACMG Guidelines, 2015. Collection method: clinical testing. Allele origin: germline.
Comment: This missense variant replaces glutamine with proline at codon 1640 of the ATM protein. Computational prediction suggests that this variant may not impact protein structure and function. To our knowledge, functional studies have not been reported for this variant. This variant has not been reported in individuals affected with ATM-related disorders in the literature. This variant has not been identified in the general population by the Genome Aggregation Database (gnomAD). The available evidence is insufficient to determine the role of this variant in disease conclusively. Therefore, this variant is classified as a Variant of Uncertain Significance.